The following is an entry in ClinVar:

ClinVar aggregate classification (germline): Likely benign (0 of 4 stars; one submission).

Conditions:
RIPOR2-related disorder. Also called: RIPOR2-related condition.

Allele frequency attached by ClinVar (database versions not stated): TOPMed below 0.00001; ExAC 0.00001; gnomAD 0.00001.
gnomAD v4.1: 8 of 1,613,812 alleles (0.0005%); highest among the groups gnomAD compares: East Asian, 0.011%; no homozygotes.

Submission:

PreventionGenetics, part of Exact Sciences
Classification: Likely benign for RIPOR2-related condition. Last evaluated: 2022-07-25. Review status: no assertion criteria provided. Collection method: clinical testing. Allele origin: germline.
Comment: This variant is classified as likely benign based on ACMG/AMP sequence variant interpretation guidelines (Richards et al. 2015 PMID: 25741868, with internal and published modifications).

NM_001286445.3(RIPOR2):c.1137G>A (p.Thr379=)

Gene: RIPOR2 (RHO family interacting cell polarization regulator 2; minus strand). Cytogenetic location: 6p22.3.
Variant type: single nucleotide variant.
Coding change: c.1137G>A on transcript NM_001286445.3 (MANE Select); coding-DNA position 1137, G replaced by A.
Protein change: p.Thr379=; no amino-acid change (threonine 379 retained).
Molecular consequence: synonymous variant.
Genome position (GRCh38, 1-based): chr6:24,848,052, C>T on the plus strand (G>A on the coding strand, the complement: RIPOR2 is on the minus strand). VCF-style: chr6-24848052-C-T. GRCh37 (hg19) VCF-style: chr6-24848280-C-T.
Other names: c.1152G>A, p.Thr384= (NM_001286446.3); c.1050G>A, p.Thr350= (NM_001286447.2, NM_001346031.2, NM_001346032.2 and 2 more transcripts).
Identifiers: ClinVar variation 3030360 (VCV003030360.2), dbSNP rs778330695, ClinGen allele CA3659324.